The following is an entry in ClinVar:

NM_006031.6(PCNT):c.2195A>G (p.Asn732Ser)

Gene: PCNT (pericentrin; plus strand). Cytogenetic location: 21q22.3.
Variant type: single nucleotide variant.
Coding change: c.2195A>G on transcript NM_006031.6 (MANE Select); coding-DNA position 2195, A replaced by G.
Protein change: p.Asn732Ser; replaces asparagine 732 with serine.
Molecular consequence: missense variant.
Genome position (GRCh38, 1-based): chr21:46,363,520, A>G. VCF-style: chr21-46363520-A-G. GRCh37 (hg19) VCF-style: chr21-47783435-A-G.
Other names: c.1841A>G, p.Asn614Ser (NM_001315529.2); short protein forms N614S, N732S.
Identifiers: ClinVar variation 4987021 (VCV004987021.1).

ClinVar aggregate classification (germline): Uncertain significance (1 of 4 stars; one submission).

Conditions:
PCNT-related disorder. Also called: PCNT-related condition.

gnomAD v4.1: 1 of 1,614,136 alleles (0.000062%); highest among the groups gnomAD compares: Admixed American, 0.0017%; no homozygotes.

Submission:

PreventionGenetics, part of Exact Sciences
Classification: Uncertain significance for PCNT-related condition. Last evaluated: 2026-05-17. Review status: criteria provided, single submitter. Criteria: ACMG Guidelines, 2015. Collection method: clinical testing. Allele origin: germline.
Comment: The PCNT c.2195A>G variant is predicted to result in the amino acid substitution p.Asn732Ser. To our knowledge, this variant has not been reported in the literature. This variant is reported in 0.0029% of alleles in individuals of Latino descent in gnomAD. At this time, the clinical significance of this variant is uncertain due to the absence of conclusive functional and genetic evidence.